The following is an entry in ClinVar:

ClinVar aggregate classification (germline): Likely benign (1 of 4 stars; one submission).

Submission:

CeGaT Center for Human Genetics Tuebingen
Classification: Likely benign. Last evaluated: 2024-08-01. Review status: criteria provided, single submitter. Criteria: CeGaT Center For Human Genetics Tuebingen Variant Classification Criteria Version 2. Collection method: clinical testing. Allele origin: germline. Affected: yes. Observed: 1 variant allele.
Comment: ELN: PM2:Supporting, BP4, BP7

NM_000501.4(ELN):c.1221T>C (p.Phe407=)

Gene: ELN (elastin; plus strand). Cytogenetic location: 7q11.23.
Variant type: single nucleotide variant.
Coding change: c.1221T>C on transcript NM_000501.4 (MANE Select); coding-DNA position 1221, T replaced by C.
Protein change: p.Phe407=; no amino-acid change (phenylalanine 407 retained).
Molecular consequence: synonymous variant.
Genome position (GRCh38, 1-based): chr7:74,056,341, T>C. VCF-style: chr7-74056341-T-C. GRCh37 (hg19) VCF-style: chr7-73470671-T-C.
Other names: c.1191T>C, p.Phe397= (NM_001081752.3, NM_001278917.2); c.1236T>C, p.Phe412= (NM_001081753.3, NM_001081754.3); c.1221T>C, p.Phe407= (NM_001081755.3, NM_001278912.2, NM_001278915.2 and 1 more transcripts); c.1113T>C, p.Phe371= (NM_001278913.2); c.1206T>C, p.Phe402= (NM_001278914.2); c.1179T>C, p.Phe393= (NM_001278916.2); c.1089T>C, p.Phe363= (NM_001278918.2).
Identifiers: ClinVar variation 3342169 (VCV003342169.16).